The following is an entry in ClinVar:

NM_016938.5(EFEMP2):c.455C>A (p.Pro152His)

Gene: EFEMP2 (EGF-like fibulin extracellular matrix protein 2; minus strand). Cytogenetic location: 11q13.1.
Variant type: single nucleotide variant.
Coding change: c.455C>A on transcript NM_016938.5 (MANE Select); coding-DNA position 455, C replaced by A.
Protein change: p.Pro152His; replaces proline 152 with histidine.
Molecular consequence: missense variant. On other transcripts: non-coding transcript variant (1).
Genome position (GRCh38, 1-based): chr11:65,870,571, G>T on the plus strand (C>A on the coding strand, the complement: EFEMP2 is on the minus strand). VCF-style: chr11-65870571-G-T. GRCh37 (hg19) VCF-style: chr11-65638042-G-T.
Other names: c.455C>A (NM_016938.4); short protein forms P152H.
Identifiers: ClinVar variation 2164472 (VCV002164472.4), dbSNP rs143247661, ClinGen allele CA6110667.

ClinVar aggregate classification (germline): Uncertain significance. Review status: criteria provided, multiple submitters, no conflicts (2 of 4 stars). 2 submissions from 2 submitters: Uncertain significance (2). Last evaluated 2023-07-05.

Conditions:
Cutis laxa, autosomal recessive, type 1B (ARCL1B). Also called: EFEMP2-Related Cutis Laxa; CUTIS LAXA, AUTOSOMAL RECESSIVE, TYPE IB. Identifiers: Orphanet 90349, MedGen C3280798, MONDO:0013754, OMIM 614437. Disease mechanism: loss of function.
Cardiovascular phenotype. Identifiers: MedGen CN230736.

Allele frequency attached by ClinVar (database versions not stated): gnomAD exomes 0.00001; ExAC 0.00002; gnomAD 0.00002; TOPMed 0.00003; 1000 Genomes Project 30x 0.00016.

Submissions (2):

Ambry Genetics
Classification: Uncertain significance for Cardiovascular phenotype. Last evaluated: 2023-07-05. Review status: criteria provided, single submitter. Criteria: Ambry Variant Classification Scheme 2023. Collection method: clinical testing. Allele origin: germline.
Comment: The p.P152H variant (also known as c.455C>A), located in coding exon 4 of the EFEMP2 gene, results from a C to A substitution at nucleotide position 455. The proline at codon 152 is replaced by histidine, an amino acid with similar properties. This amino acid position is highly conserved in available vertebrate species. In addition, this alteration is predicted to be deleterious by in silico analysis. Since supporting evidence is limited at this time, the clinical significance of this alteration remains unclear.

Labcorp Genetics (formerly Invitae), Labcorp
Classification: Uncertain significance for Cutis laxa, autosomal recessive, type 1B. Last evaluated: 2023-06-25. Review status: criteria provided, single submitter. Criteria: Invitae Variant Classification Sherloc (09022015). Collection method: clinical testing. Allele origin: germline.
Comment: ClinVar contains an entry for this variant (Variation ID: 2164472). This variant has not been reported in the literature in individuals affected with EFEMP2-related conditions. This variant is present in population databases (rs143247661, gnomAD 0.03%). This sequence change replaces proline, which is neutral and non-polar, with histidine, which is basic and polar, at codon 152 of the EFEMP2 protein (p.Pro152His). Advanced modeling of protein sequence and biophysical properties (such as structural, functional, and spatial information, amino acid conservation, physicochemical variation, residue mobility, and thermodynamic stability) performed at Invitae indicates that this missense variant is not expected to disrupt EFEMP2 protein function. In summary, the available evidence is currently insufficient to determine the role of this variant in disease. Therefore, it has been classified as a Variant of Uncertain Significance.